The following is an entry in ClinVar:

NM_080680.3(COL11A2):c.2851C>T (p.Pro951Ser)

Gene: COL11A2 (collagen type XI alpha 2 chain; minus strand). Cytogenetic location: 6p21.32.
Variant type: single nucleotide variant.
Coding change: c.2851C>T on transcript NM_080680.3 (MANE Select); coding-DNA position 2851, C replaced by T.
Protein change: p.Pro951Ser; replaces proline 951 with serine.
Molecular consequence: missense variant.
Genome position (GRCh38, 1-based): chr6:33,172,577, G>A on the plus strand (C>T on the coding strand, the complement: COL11A2 is on the minus strand). VCF-style: chr6-33172577-G-A. GRCh37 (hg19) VCF-style: chr6-33140354-G-A.
Other names: c.2530C>T, p.Pro844Ser (NM_080679.3); c.2593C>T, p.Pro865Ser (NM_080681.3); short protein forms P844S, P865S, P951S.
Identifiers: ClinVar variation 1254854 (VCV001254854.4), dbSNP rs971363566, ClinGen allele CA137067930.
Genomic context (GRCh38, chr6:33,172,577, plus strand): 5'-GCCCCTCACTGACCTTTGTTCCTTCTTTTCCAGCTGTCCCAGGTAGTCCCTGCTCTCCAG[G>A]GGGCCCCGGGGGGCCTGGGTGACCTCTCTCCCCCATAGGGCCGGTTTCTCCTGCTGCTCC-3'
Protein context (NP_542411.2, residues 941-961): ERGHPGPPGP[Pro951Ser]GEQGLPGTAG

ClinVar aggregate classification (germline): Uncertain significance. Review status: criteria provided, multiple submitters, no conflicts (2 of 4 stars). 3 submissions from 3 submitters: Uncertain significance (3). Last evaluated 2025-04-29.

Conditions:
Inborn genetic diseases. Identifiers: MedGen C0950123, MeSH D030342.

Submissions (3):

Ambry Genetics
Classification: Uncertain significance for Inborn genetic diseases. Last evaluated: 2025-04-29. Review status: criteria provided, single submitter. Criteria: Ambry Variant Classification Scheme 2023. Collection method: clinical testing. Allele origin: germline.

GeneDx
Classification: Uncertain significance. Last evaluated: 2021-06-04. Review status: criteria provided, single submitter. Criteria: GeneDx Variant Classification Process June 2021. Collection method: clinical testing. Allele origin: germline. Affected: yes.
Comment: Not observed at significant frequency in large population cohorts (Lek et al., 2016); In silico analysis supports that this missense variant has a deleterious effect on protein structure/function; Has not been previously published as pathogenic or benign to our knowledge; This variant is associated with the following publications: (PMID: 27535533)

Blueprint Genetics
Classification: Uncertain significance. Last evaluated: 2017-07-25. Review status: criteria provided, single submitter. Criteria: ACMG Guidelines, 2015. Collection method: clinical testing. Allele origin: germline.